The following is an entry in ClinVar:

ClinVar aggregate classification (germline): Uncertain significance. Review status: criteria provided, multiple submitters, no conflicts (2 of 4 stars). 2 submissions from 2 submitters: Uncertain significance (2). Last evaluated 2024-10-08.

Conditions:
Inborn genetic diseases. Identifiers: MedGen C0950123, MeSH D030342.

Allele frequency attached by ClinVar (database versions not stated): ExAC 0.00001; gnomAD exomes 0.00001; gnomAD 0.00007 and 0.00009; ESP Exome Variant Server 0.00008; TOPMed 0.00025.
gnomAD v4.1: 21 of 1,593,464 alleles (0.0013%); highest among the groups gnomAD compares: Admixed American, 0.024%; no homozygotes.

Submissions (2):

Ambry Genetics
Classification: Uncertain significance for Inborn genetic diseases. Last evaluated: 2024-10-08. Review status: criteria provided, single submitter. Criteria: Ambry Variant Classification Scheme 2023. Collection method: clinical testing. Allele origin: germline.

Labcorp Genetics (formerly Invitae), Labcorp
Classification: Uncertain significance. Last evaluated: 2022-07-19. Review status: criteria provided, single submitter. Criteria: Invitae Variant Classification Sherloc (09022015). Collection method: clinical testing. Allele origin: germline.
Comment: This sequence change replaces serine, which is neutral and polar, with arginine, which is basic and polar, at codon 62 of the DNAAF4 protein (p.Ser62Arg). This variant is present in population databases (rs142108738, gnomAD 0.003%). This variant has not been reported in the literature in individuals affected with DNAAF4-related conditions. ClinVar contains an entry for this variant (Variation ID: 943949). Algorithms developed to predict the effect of missense changes on protein structure and function are either unavailable or do not agree on the potential impact of this missense change (SIFT: "Deleterious"; PolyPhen-2: "Probably Damaging"; Align-GVGD: "Class C0"). In summary, the available evidence is currently insufficient to determine the role of this variant in disease. Therefore, it has been classified as a Variant of Uncertain Significance.

NM_130810.4(DNAAF4):c.186C>G (p.Ser62Arg)

Genes: DNAAF4 (dynein axonemal assembly factor 4; minus strand), DNAAF4-CCPG1 (DNAAF4-CCPG1 readthrough (NMD candidate); minus strand). Cytogenetic location: 15q21.3.
Variant type: single nucleotide variant.
Coding change: c.186C>G on transcript NM_130810.4 (MANE Select); coding-DNA position 186, C replaced by G.
Protein change: p.Ser62Arg; replaces serine 62 with arginine.
Molecular consequence: missense variant. On other transcripts: non-coding transcript variant (1).
Genome position (GRCh38, 1-based): chr15:55,497,797, G>C on the plus strand (C>G on the coding strand, the complement: DNAAF4 is on the minus strand). VCF-style: chr15-55497797-G-C. GRCh37 (hg19) VCF-style: chr15-55789995-G-C.
Other names: c.186C>G, p.Ser62Arg (NM_001033559.3, NM_001033560.2); short protein forms S62R.
Identifiers: ClinVar variation 943949 (VCV000943949.8), dbSNP rs142108738, ClinGen allele CA7575110.